The following is an entry in ClinVar:

NM_016169.4(SUFU):c.5C>G (p.Ala2Gly)

Genes: SUFU (SUFU negative regulator of hedgehog signaling; plus strand), LOC130004614 (ATAC-STARR-seq lymphoblastoid silent region 2764; plus strand). Cytogenetic location: 10q24.32.
Variant type: single nucleotide variant.
Coding change: c.5C>G on transcript NM_016169.4 (MANE Select); coding-DNA position 5, C replaced by G.
Protein change: p.Ala2Gly; replaces alanine 2 with glycine.
Molecular consequence: missense variant.
Genome position (GRCh38, 1-based): chr10:102,504,157, C>G. VCF-style: chr10-102504157-C-G. GRCh37 (hg19) VCF-style: chr10-104263914-C-G.
Other names: c.5C>G, p.Ala2Gly (NM_001178133.2); short protein forms A2G.
Identifiers: ClinVar variation 3754787 (VCV003754787.3).

ClinVar aggregate classification (germline): Uncertain significance. Review status: criteria provided, multiple submitters, no conflicts (2 of 4 stars). 2 submissions from 2 submitters: Uncertain significance (2). Last evaluated 2026-02-25.

Conditions:
Hereditary cancer-predisposing syndrome. Also called: Hereditary Cancer Syndrome; Neoplastic Syndromes, Hereditary; Tumor predisposition; Hereditary neoplastic syndrome. Identifiers: Orphanet 140162, MedGen C0027672, MeSH D009386, MONDO:0015356.
Gorlin syndrome. Also called: Nevoid Basal Cell Carcinoma Syndrome; Basal cell nevus syndrome. Identifiers: Orphanet 377, MedGen C0004779, MONDO:0007187.
Medulloblastoma (MDB). Also called: MEDULLOBLASTOMA PREDISPOSITION SYNDROME; Medulloblastoma, somatic. Identifiers: Orphanet 616, MedGen C0025149, MeSH D008527, MONDO:0007959, OMIM 155255, HP:0002885.

Submissions (2):

Ambry Genetics
Classification: Uncertain significance for Hereditary cancer-predisposing syndrome. Last evaluated: 2026-02-25. Review status: criteria provided, single submitter. Criteria: Ambry Variant Classification Scheme 2023. Collection method: clinical testing. Allele origin: germline.
Comment: The p.A2G variant (also known as c.5C>G), located in coding exon 1 of the SUFU gene, results from a C to G substitution at nucleotide position 5. The alanine at codon 2 is replaced by glycine, an amino acid with similar properties. This amino acid position is conserved. In addition, this alteration is predicted to be tolerated by in silico analysis. Based on the available evidence, the clinical significance of this variant remains unclear.

Labcorp Genetics (formerly Invitae), Labcorp
Classification: Uncertain significance for Gorlin syndrome; Medulloblastoma. Last evaluated: 2024-02-18. Review status: criteria provided, single submitter. Criteria: Invitae Variant Classification Sherloc (09022015). Collection method: clinical testing. Allele origin: germline.
Comment: This sequence change replaces alanine, which is neutral and non-polar, with glycine, which is neutral and non-polar, at codon 2 of the SUFU protein (p.Ala2Gly). This variant is not present in population databases (gnomAD no frequency). This variant has not been reported in the literature in individuals affected with SUFU-related conditions. An algorithm developed to predict the effect of missense changes on protein structure and function (PolyPhen-2) suggests that this variant is likely to be disruptive. In summary, the available evidence is currently insufficient to determine the role of this variant in disease. Therefore, it has been classified as a Variant of Uncertain Significance.